The following is an entry in ClinVar:

NM_001037333.3(CYFIP2):c.3521A>C (p.Asp1174Ala)

Genes: CYFIP2 (cytoplasmic FMR1 interacting protein 2; plus strand), NIPAL4-DT (NIPAL4 divergent transcript; minus strand), LOC126807569 (P300/CBP strongly-dependent group 1 enhancer GRCh37_chr5:156817055-156818254; plus strand). Cytogenetic location: 5q33.3.
Variant type: single nucleotide variant.
Coding change: c.3521A>C on transcript NM_001037333.3 (MANE Select); coding-DNA position 3521, A replaced by C.
Protein change: p.Asp1174Ala; replaces aspartic acid 1174 with alanine.
Molecular consequence: missense variant.
Genome position (GRCh38, 1-based): chr5:157,390,595, A>C. VCF-style: chr5-157390595-A-C. GRCh37 (hg19) VCF-style: chr5-156817603-A-C.
Other names: c.3443A>C, p.Asp1148Ala (NM_001291721.2); c.3596A>C, p.Asp1199Ala (NM_001291722.2); c.3521A>C, p.Asp1174Ala (NM_014376.4); short protein forms D1174A, D1148A, D1199A.
Identifiers: ClinVar variation 2878948 (VCV002878948.3), dbSNP rs1313098894, ClinGen allele CA361982863.

ClinVar aggregate classification (germline): Uncertain significance (1 of 4 stars; one submission).

Allele frequency attached by ClinVar (database versions not stated): gnomAD 0.00001.
gnomAD v4.1: 4 of 1,566,090 alleles (0.00026%); highest among the groups gnomAD compares: Admixed American, 0.0057%; no homozygotes.

Submission:

Labcorp Genetics (formerly Invitae), Labcorp
Classification: Uncertain significance. Last evaluated: 2023-06-05. Review status: criteria provided, single submitter. Criteria: Invitae Variant Classification Sherloc (09022015). Collection method: clinical testing. Allele origin: germline.
Comment: In summary, the available evidence is currently insufficient to determine the role of this variant in disease. Therefore, it has been classified as a Variant of Uncertain Significance. Experimental studies and prediction algorithms are not available or were not evaluated, and the functional significance of this variant is currently unknown. This variant has not been reported in the literature in individuals affected with CYFIP2-related conditions. This variant is present in population databases (no rsID available, gnomAD 0.008%). This sequence change replaces aspartic acid, which is acidic and polar, with alanine, which is neutral and non-polar, at codon 1174 of the CYFIP2 protein (p.Asp1174Ala).